The following is an entry in ClinVar:

ClinVar aggregate classification (germline): Likely benign. Review status: criteria provided, single submitter (1 of 4 stars). 2 submissions from 2 submitters: Likely benign (1). 1 of the submissions does not count toward it. Last evaluated 2024-10-15.

Conditions:
CNGB1-related disorder. Also called: CNGB1-related condition.

Allele frequency attached by ClinVar (database versions not stated): ESP Exome Variant Server 0.00008.
gnomAD v4.1: 41 of 1,614,032 alleles (0.0025%); highest among the groups gnomAD compares: South Asian, 0.034%; 2 homozygotes.

Submissions (2):

Labcorp Genetics (formerly Invitae), Labcorp
Classification: Likely benign. Last evaluated: 2024-10-15. Review status: criteria provided, single submitter. Criteria: Invitae Variant Classification Sherloc (09022015). Collection method: clinical testing. Allele origin: germline.

PreventionGenetics, part of Exact Sciences
Classification: Likely benign for CNGB1-related condition. Last evaluated: 2019-07-11. Review status: no assertion criteria provided. Collection method: clinical testing. Allele origin: germline. Not counted in ClinVar's aggregate classification.
Comment: This variant is classified as likely benign based on ACMG/AMP sequence variant interpretation guidelines (Richards et al. 2015 PMID: 25741868, with internal and published modifications).

NM_001297.5(CNGB1):c.3420C>A (p.Ala1140=)

Gene: CNGB1 (cyclic nucleotide gated channel subunit beta 1; minus strand). Cytogenetic location: 16q21.
Variant type: single nucleotide variant.
Coding change: c.3420C>A on transcript NM_001297.5 (MANE Select); coding-DNA position 3420, C replaced by A.
Protein change: p.Ala1140=; no amino-acid change (alanine 1140 retained).
Molecular consequence: synonymous variant.
Genome position (GRCh38, 1-based): chr16:57,887,897, G>T on the plus strand (C>A on the coding strand, the complement: CNGB1 is on the minus strand). VCF-style: chr16-57887897-G-T. GRCh37 (hg19) VCF-style: chr16-57921801-G-T.
Other names: c.3402C>A, p.Ala1134= (NM_001286130.2); c.3420C>A (NM_001297.4).
Identifiers: ClinVar variation 1161605 (VCV001161605.10), dbSNP rs371860152, ClinGen allele CA8082573.
Genomic context (GRCh38, chr16:57,887,897, plus strand): 5'-GGTTCCCAACCACATTACCTGTTCCACCAACTCTTGCTGCTTTGCAGCCGCCTCCAGCGC[G>T]GCCAGTTCTTTGAGCCGGGCCCGGAGGTGAGCAAGTTTGCCGCCTTTTGCCCCCTTGCCA-3'
Protein context (NP_001288.3, residues 1130-1150): AHLRARLKEL[Ala1140=]ALEAAAKQQE